The following is an entry in ClinVar:

NM_004006.3(DMD):c.6623A>G (p.Glu2208Gly)

Gene: DMD (dystrophin; minus strand). Cytogenetic location: Xp21.1.
Variant type: single nucleotide variant.
Coding change: c.6623A>G on transcript NM_004006.3 (MANE Select); coding-DNA position 6623, A replaced by G.
Protein change: p.Glu2208Gly; replaces glutamic acid 2208 with glycine.
Molecular consequence: missense variant. On other transcripts: 5 prime UTR variant (5).
Genome position (GRCh38, 1-based): chrX:31,932,219, T>C on the plus strand (A>G on the coding strand, the complement: DMD is on the minus strand). VCF-style: chrX-31932219-T-C. GRCh37 (hg19) VCF-style: chrX-31950336-T-C.
Other names: c.6599A>G, p.Glu2200Gly (NM_000109.4); c.6611A>G, p.Glu2204Gly (NM_004009.3); c.6254A>G, p.Glu2085Gly (NM_004010.3); c.2600A>G, p.Glu867Gly (NM_004011.4); c.2591A>G, p.Glu864Gly (NM_004012.4); c.-758A>G (NM_004013.3, NM_004020.4, NM_004021.3 and 2 more transcripts); short protein forms E2085G, E2200G, E2204G, E2208G, E864G, E867G.
Identifiers: ClinVar variation 913987 (VCV000913987.36), dbSNP rs139937177, ClinGen allele CA10378419.

ClinVar aggregate classification (germline): Conflicting classifications of pathogenicity. Review status: criteria provided, conflicting classifications (1 of 4 stars). 5 submissions from 5 submitters: Uncertain significance (2); Likely benign (2). 1 of the submissions does not count toward it. Last evaluated 2025-12-28.

Conditions:
Cardiovascular phenotype. Identifiers: MedGen CN230736.
Duchenne muscular dystrophy (DMD). Also called: Duchenne Muscular Dystrophy (DMD); MUSCULAR DYSTROPHY, PSEUDOHYPERTROPHIC PROGRESSIVE, DUCHENNE TYPE. Identifiers: Orphanet 98896, MedGen C0013264, MONDO:0010679, OMIM 310200.
Becker muscular dystrophy (BMD). Also called: Becker Muscular Dystrophy (BMD); MUSCULAR DYSTROPHY, PSEUDOHYPERTROPHIC PROGRESSIVE, BECKER TYPE. Identifiers: Orphanet 98895, MedGen C0917713, MONDO:0010311, OMIM 300376.
Dystrophin deficiency.
Cardiomyopathy (CMYO). Also called: Cardiomyopathies. Identifiers: Orphanet 167848, MedGen C0878544, MONDO:0004994, HP:0001638. Inheritance: Various modes of inheritance.
Dilated cardiomyopathy 3B (CMD3B). Also called: DMD-Associated Dilated Cardiomyopathy; CMD3B: DMD-Related Dilated Cardiomyopathy; CARDIOMYOPATHY, DILATED, X-LINKED. Identifiers: Orphanet 154, MedGen C3668940, MONDO:0010542, OMIM 302045.

Allele frequency attached by ClinVar (database versions not stated): gnomAD 0.00001; gnomAD exomes 0.00001; ExAC 0.00003; TOPMed 0.00003; ESP Exome Variant Server 0.00009.
gnomAD v4.1: 14 of 1,181,747 alleles (0.0012%); highest among the groups gnomAD compares: South Asian, 0.0018%; no homozygotes.

Submissions (5):

Labcorp Genetics (formerly Invitae), Labcorp
Classification: Likely benign for Duchenne muscular dystrophy. Last evaluated: 2025-12-28. Review status: criteria provided, single submitter. Criteria: Invitae Variant Classification Sherloc (09022015). Collection method: clinical testing. Allele origin: germline.

CeGaT Center for Human Genetics Tuebingen
Classification: Likely benign. Last evaluated: 2022-11-01. Review status: criteria provided, single submitter. Criteria: CeGaT Center For Human Genetics Tuebingen Variant Classification Criteria Version 2. Collection method: clinical testing. Allele origin: germline. Affected: yes. Observed: 1 variant allele.
Comment: DMD: BP4

Ambry Genetics
Classification: Uncertain significance for Cardiovascular phenotype. Last evaluated: 2022-02-16. Review status: criteria provided, single submitter. Criteria: Ambry Variant Classification Scheme 2023. Collection method: clinical testing. Allele origin: germline.
Comment: The p.E2208G variant (also known as c.6623A>G), located in coding exon 46 of the DMD gene, results from an A to G substitution at nucleotide position 6623. The glutamic acid at codon 2208 is replaced by glycine, an amino acid with similar properties. Based on data from gnomAD, the G allele has an overall frequency of 0.001% (2/201795) total alleles studied, with 2 hemizygotes observed. The highest observed frequency was 0.002% (2/91038) of European (non-Finnish) alleles. This amino acid position is highly conserved in available vertebrate species. In addition, this alteration is predicted to be tolerated by in silico analysis. Since supporting evidence is limited at this time, the clinical significance of this alteration remains unclear.

Illumina Laboratory Services, Illumina
Classification: Uncertain significance for Dilated cardiomyopathy 3B. Last evaluated: 2018-01-13. Review status: criteria provided, single submitter. Criteria: ICSL Variant Classification Criteria 13 December 2019. Collection method: clinical testing. Allele origin: germline.

Natera, Inc.
Classification: Uncertain significance for Becker muscular dystrophy; Cardiomyopathy; Duchenne muscular dystrophy; Dystrophin deficiency. Last evaluated: 2019-02-10. Review status: no assertion criteria provided. Collection method: clinical testing. Allele origin: germline. Not counted in ClinVar's aggregate classification.